The following is an entry in ClinVar:

ClinVar aggregate classification (germline): Uncertain significance. Review status: criteria provided, multiple submitters, no conflicts (2 of 4 stars). 2 submissions from 2 submitters: Uncertain significance (2). Last evaluated 2024-05-10.

Conditions:
Inborn genetic diseases. Identifiers: MedGen C0950123, MeSH D030342.

Allele frequency attached by ClinVar (database versions not stated): gnomAD 0.00003; ExAC 0.00004.
gnomAD v4.1: 7 of 1,565,582 alleles (0.00045%); highest among the groups gnomAD compares: African/African-American, 0.0094%; no homozygotes.

Submissions (2):

Ambry Genetics
Classification: Uncertain significance for Inborn genetic diseases. Last evaluated: 2024-05-10. Review status: criteria provided, single submitter. Criteria: Ambry Variant Classification Scheme 2023. Collection method: clinical testing. Allele origin: germline.

Mayo Clinic Laboratories, Mayo Clinic
Classification: Uncertain significance. Last evaluated: 2023-03-30. Review status: criteria provided, single submitter. Criteria: ACMG Guidelines, 2015. Collection method: clinical testing. Allele origin: germline. Observed: 1 variant allele.
Comment: BP4

NM_198576.4(AGRN):c.5345C>T (p.Ser1782Phe)

Gene: AGRN (agrin; plus strand). Cytogenetic location: 1p36.33.
Variant type: single nucleotide variant.
Coding change: c.5345C>T on transcript NM_198576.4 (MANE Select); coding-DNA position 5345, C replaced by T.
Protein change: p.Ser1782Phe; replaces serine 1782 with phenylalanine.
Molecular consequence: missense variant.
Genome position (GRCh38, 1-based): chr1:1,051,344, C>T. VCF-style: chr1-1051344-C-T. GRCh37 (hg19) VCF-style: chr1-986724-C-T.
Other names: p.Ser1782Phe; c.5357C>T, p.Ser1786Phe (NM_001305275.2); c.5042C>T, p.Ser1681Phe (NM_001364727.2); c.5345C>T (NM_198576.3); short protein forms S1681F, S1782F, S1786F.
Identifiers: ClinVar variation 2683687 (VCV002683687.2), dbSNP rs772049055, ClinGen allele CA509990.